The following is an entry in ClinVar:

ClinVar aggregate classification (germline): Uncertain significance (1 of 4 stars; one submission).

Submission:

CeGaT Center for Human Genetics Tuebingen
Classification: Uncertain significance. Last evaluated: 2023-10-01. Review status: criteria provided, single submitter. Criteria: CeGaT Center For Human Genetics Tuebingen Variant Classification Criteria Version 2. Collection method: clinical testing. Allele origin: germline. Affected: yes. Observed: 1 variant allele.
Comment: KMT2D: PM2, BP4

NM_003482.4(KMT2D):c.5392A>G (p.Ser1798Gly)

Gene: KMT2D (lysine methyltransferase 2D; minus strand). Cytogenetic location: 12q13.12.
Variant type: single nucleotide variant.
Coding change: c.5392A>G on transcript NM_003482.4 (MANE Select); coding-DNA position 5392, A replaced by G.
Protein change: p.Ser1798Gly; replaces serine 1798 with glycine.
Molecular consequence: missense variant.
Genome position (GRCh38, 1-based): chr12:49,043,710, T>C on the plus strand (A>G on the coding strand, the complement: KMT2D is on the minus strand). VCF-style: chr12-49043710-T-C. GRCh37 (hg19) VCF-style: chr12-49437493-T-C.
Other names: short protein forms S1798G.
Identifiers: ClinVar variation 2642957 (VCV002642957.24), dbSNP rs2120572248, ClinGen allele CA384633321.